The following is an entry in ClinVar:

NM_003072.5(SMARCA4):c.3952-3del

Gene: SMARCA4 (SWI/SNF related BAF chromatin remodeling complex subunit ATPase 4; plus strand). Cytogenetic location: 19p13.2.
Variant type: Deletion.
Coding change: c.3952-3del on transcript NM_003072.5 (MANE Select); 3 bases into the intron before coding-DNA position 3952, one base deleted (C; older notation c.3952-3delC).
Molecular consequence: intron variant.
Genome position (GRCh38, 1-based): chr19:11,034,911, C deleted; the last of 2 consecutive C bases (chr19:11,034,910-11,034,911); deleting either gives the same sequence. VCF-style (leftmost placement, unchanged base first): chr19-11034909-AC-A. GRCh37 (hg19) VCF-style: chr19-11145585-AC-A.
Other names: c.3952-3del (NM_001128844.3, NM_001128849.3); c.3853-3del (NM_001128847.4, NM_001374457.1, NM_001128845.2 and 2 more transcripts).
Identifiers: ClinVar variation 824421 (VCV000824421.5), dbSNP rs1600405201, ClinGen allele CA915951639.

ClinVar aggregate classification (germline): Uncertain significance (1 of 4 stars; one submission).

Conditions:
Hereditary cancer-predisposing syndrome. Also called: Hereditary Cancer Syndrome; Tumor predisposition; Neoplastic Syndromes, Hereditary; Hereditary neoplastic syndrome. Identifiers: Orphanet 140162, MedGen C0027672, MeSH D009386, MONDO:0015356.

Submission:

Ambry Genetics
Classification: Uncertain significance for Hereditary cancer-predisposing syndrome. Last evaluated: 2026-02-17. Review status: criteria provided, single submitter. Criteria: Ambry Variant Classification Scheme 2023. Collection method: clinical testing. Allele origin: germline.
Comment: The c.3952-3delC intronic variant, located in intron 27 of the SMARCA4 gene, results from a deletion of one nucleotide within intron 27 of the SMARCA4 gene. This nucleotide position is not well conserved in available vertebrate species. In silico splice site analysis predicts that this alteration will not have any significant effect on splicing. Based on the available evidence, the clinical significance of this variant remains unclear.